The following is an entry in ClinVar:

ClinVar aggregate classification (germline): Uncertain significance (1 of 4 stars; one submission).

Conditions:
Developmental and epileptic encephalopathy, 54. Also called: Epileptic encephalopathy, early infantile, 54; HNRNPU-Related Neurodevelopmental Disorder. Identifiers: MedGen C4479319, MONDO:0033363, OMIM 617391.

Submission:

Labcorp Genetics (formerly Invitae), Labcorp
Classification: Uncertain significance for Developmental and epileptic encephalopathy, 54. Last evaluated: 2024-08-24. Review status: criteria provided, single submitter. Criteria: Invitae Variant Classification Sherloc (09022015). Collection method: clinical testing. Allele origin: germline.
Comment: This sequence change replaces histidine, which is basic and polar, with tyrosine, which is neutral and polar, at codon 357 of the HNRNPU protein (p.His357Tyr). This variant is not present in population databases (gnomAD no frequency). This variant has not been reported in the literature in individuals affected with HNRNPU-related conditions. Invitae Evidence Modeling of protein sequence and biophysical properties (such as structural, functional, and spatial information, amino acid conservation, physicochemical variation, residue mobility, and thermodynamic stability) has been performed for this missense variant. However, the output from this modeling did not meet the statistical confidence thresholds required to predict the impact of this variant on HNRNPU protein function. In summary, the available evidence is currently insufficient to determine the role of this variant in disease. Therefore, it has been classified as a Variant of Uncertain Significance.

NM_031844.3(HNRNPU):c.1069C>T (p.His357Tyr)

Gene: HNRNPU (heterogeneous nuclear ribonucleoprotein U; minus strand). Cytogenetic location: 1q44.
Variant type: single nucleotide variant.
Coding change: c.1069C>T on transcript NM_031844.3 (MANE Select); coding-DNA position 1069, C replaced by T.
Protein change: p.His357Tyr; replaces histidine 357 with tyrosine.
Molecular consequence: missense variant.
Genome position (GRCh38, 1-based): chr1:244,859,323, G>A on the plus strand (C>T on the coding strand, the complement: HNRNPU is on the minus strand). VCF-style: chr1-244859323-G-A. GRCh37 (hg19) VCF-style: chr1-245022625-G-A.
Other names: c.1012C>T, p.His338Tyr (NM_004501.3); short protein forms H338Y, H357Y.
Identifiers: ClinVar variation 3663352 (VCV003663352.2).